The following is an entry in ClinVar:

NM_000138.5(FBN1):c.4336+4A>C

Genes: FBN1 (fibrillin 1; minus strand), LOC126862124 (CDK7 strongly-dependent group 2 enhancer GRCh37_chr15:48764566-48765765; plus strand). Cytogenetic location: 15q21.1.
Variant type: single nucleotide variant.
Coding change: c.4336+4A>C on transcript NM_000138.5 (MANE Select); 4 bases into the intron after coding-DNA position 4336, A replaced by C.
Molecular consequence: intron variant.
Genome position (GRCh38, 1-based): chr15:48,472,547, T>G on the plus strand (A>C on the coding strand, the complement: FBN1 is on the minus strand). VCF-style: chr15-48472547-T-G. GRCh37 (hg19) VCF-style: chr15-48764744-T-G.
Identifiers: ClinVar variation 519751 (VCV000519751.15), dbSNP rs764099050, ClinGen allele CA052542.

ClinVar aggregate classification (germline): Uncertain significance. Review status: criteria provided, multiple submitters, no conflicts (2 of 4 stars). 5 submissions from 5 submitters: Uncertain significance (4). 1 of the submissions does not count toward it. Last evaluated 2026-08-03.

Conditions:
Marfan syndrome (MFS). Also called: FBN1-Related Marfan Syndrome; Marfan's syndrome; MARFAN SYNDROME, TYPE I; Marfan syndrome, classic; Marfan syndrome type 1. Identifiers: Orphanet 284963, Orphanet 558, MedGen C0024796, MONDO:0007947, OMIM 154700.
Familial thoracic aortic aneurysm and aortic dissection (TAAD). Also called: Thoracic aortic aneurysms and dissections. Identifiers: Orphanet 91387, MedGen C4707243, MONDO:0019625.
FBN1-related disorder. Also called: FBN1-related disorders.

Allele frequency attached by ClinVar (database versions not stated): TOPMed 0.00001; gnomAD 0.00002.
gnomAD v4.1: 18 of 1,613,626 alleles (0.0011%); highest among the groups gnomAD compares: Admixed American, 0.0033%; no homozygotes.

Submissions (5):

Ambry Genetics
Classification: Uncertain significance for Familial thoracic aortic aneurysm and aortic dissection. Last evaluated: 2026-08-03. Review status: criteria provided, single submitter. Criteria: Ambry Variant Classification Scheme 2023. Collection method: clinical testing. Allele origin: germline.
Comment: The c.4336+4A>C intronic variant results from an A to C substitution 4 nucleotides after coding exon 34 in the FBN1 gene. This nucleotide position is well conserved in available vertebrate species. In silico splice site analysis predicts that this alteration will not have any significant effect on splicing. Based on the available evidence, the clinical significance of this variant remains unclear.

Color Diagnostics, LLC DBA Color Health
Classification: Uncertain significance for Familial thoracic aortic aneurysm and aortic dissection. Last evaluated: 2024-08-14. Review status: criteria provided, single submitter. Criteria: ACMG Guidelines, 2015. Collection method: clinical testing. Allele origin: germline.
Comment: This variant causes an A to C nucleotide substitution at the +4 position of intron 35 of the FBN1 gene. To our knowledge, functional studies have not been reported for this variant. This variant has not been reported in individuals affected with FBN1-related disorders in the literature. This variant has been identified in 7/251112 chromosomes in the general population by the Genome Aggregation Database (gnomAD). The available evidence is insufficient to determine the role of this variant in disease conclusively. Therefore, this variant is classified as a Variant of Uncertain Significance.

Labcorp Genetics (formerly Invitae), Labcorp
Classification: Uncertain significance for Marfan syndrome; Familial thoracic aortic aneurysm and aortic dissection. Last evaluated: 2023-02-22. Review status: criteria provided, single submitter. Criteria: Invitae Variant Classification Sherloc (09022015). Collection method: clinical testing. Allele origin: germline.
Comment: This sequence change falls in intron 35 of the FBN1 gene. It does not directly change the encoded amino acid sequence of the FBN1 protein. It affects a nucleotide within the consensus splice site. This variant is present in population databases (rs764099050, gnomAD 0.007%). This variant has not been reported in the literature in individuals affected with FBN1-related conditions. ClinVar contains an entry for this variant (Variation ID: 519751). Variants that disrupt the consensus splice site are a relatively common cause of aberrant splicing (PMID: 17576681, 9536098). Algorithms developed to predict the effect of sequence changes on RNA splicing suggest that this variant is not likely to affect RNA splicing. In summary, the available evidence is currently insufficient to determine the role of this variant in disease. Therefore, it has been classified as a Variant of Uncertain Significance.

Women's Health and Genetics/Laboratory Corporation of America, LabCorp
Classification: Uncertain significance. Last evaluated: 2020-03-02. Review status: criteria provided, single submitter. Criteria: LabCorp Variant Classification Summary - May 2015. Collection method: clinical testing. Allele origin: germline.
Comment: Variant summary: FBN1 c.4336+4A>C alters a conserved nucleotide located close to a canonical splice site and therefore could affect mRNA splicing, leading to a significantly altered protein sequence. 4/4 computational tools predict no significant impact on normal splicing. However, these predictions have yet to be confirmed by functional studies. The variant allele was found at a frequency of 2.8e-05 in 251112 control chromosomes (gnomAD). The available data on variant occurrences in the general population are insufficient to allow any conclusion about variant significance. To our knowledge, no occurrence of c.4336+4A>C in individuals affected with Marfan Syndrome and no experimental evidence demonstrating its impact on protein function have been reported. One ClinVar submitter (evaluation after 2014) cites the variant as uncertain significance. Based on the evidence outlined above, the variant was classified as uncertain significance.

PreventionGenetics, part of Exact Sciences
Classification: Likely benign for FBN1-related condition. Last evaluated: 2019-04-24. Review status: no assertion criteria provided. Collection method: clinical testing. Allele origin: germline. Not counted in ClinVar's aggregate classification.
Comment: This variant is classified as likely benign based on ACMG/AMP sequence variant interpretation guidelines (Richards et al. 2015 PMID: 25741868, with internal and published modifications).

Literature cited by the submitters: PubMed 17576681 (cited by Labcorp Genetics (formerly Invitae), Labcorp); PubMed 9536098 (cited by Labcorp Genetics (formerly Invitae), Labcorp).